The following is an entry in ClinVar:

ClinVar aggregate classification (germline): Uncertain significance. Review status: criteria provided, multiple submitters, no conflicts (2 of 4 stars). 2 submissions from 2 submitters: Uncertain significance (2). Last evaluated 2022-01-02.

Submissions (2):

Labcorp Genetics (formerly Invitae), Labcorp
Classification: Uncertain significance. Last evaluated: 2022-01-02. Review status: criteria provided, single submitter. Criteria: Invitae Variant Classification Sherloc (09022015). Collection method: clinical testing. Allele origin: germline.
Comment: This sequence change replaces glutamic acid, which is acidic and polar, with methionine, which is neutral and non-polar, at codon 391 of the MLPH protein (p.Glu391Met). This variant is present in population databases (no rsID available, gnomAD 6%), and has an allele count higher than expected for a pathogenic variant. This variant has not been reported in the literature in individuals affected with MLPH-related conditions. ClinVar contains an entry for this variant (Variation ID: 1253962). Algorithms developed to predict the effect of missense changes on protein structure and function are either unavailable or do not agree on the potential impact of this missense change (SIFT: "Not Available"; PolyPhen-2: "Probably Damaging"; Align-GVGD: "Not Available"). In summary, the available evidence is currently insufficient to determine the role of this variant in disease. Therefore, it has been classified as a Variant of Uncertain Significance.

GeneDx
Classification: Uncertain significance. Last evaluated: 2021-10-01. Review status: criteria provided, single submitter. Criteria: GeneDx Variant Classification Process June 2021. Collection method: clinical testing. Allele origin: germline. Affected: yes.
Comment: Has not been previously published as pathogenic or benign to our knowledge; In silico analysis, which includes protein predictors and evolutionary conservation, supports a deleterious effect

NM_024101.7(MLPH):c.1171_1172delinsAT (p.Glu391Met)

Gene: MLPH (melanophilin; plus strand). Cytogenetic location: 2q37.3.
Variant type: Indel.
Coding change: c.1171_1172delinsAT on transcript NM_024101.7 (MANE Select); coding-DNA positions 1171 to 1172, GA replaced by AT.
Protein change: p.Glu391Met; replaces glutamic acid 391 with methionine.
Molecular consequence: missense variant. On other transcripts: non-coding transcript variant (1).
Genome position (GRCh38, 1-based): chr2:237,540,414-237,540,415, GA replaced by AT. VCF-style: chr2-237540414-GA-AT. GRCh37 (hg19) VCF-style: chr2-238449057-GA-AT.
Other names: c.1087_1088delinsAT, p.Glu363Met (NM_001042467.3); c.967_968delinsAT, p.Glu323Met (NM_001281473.2); c.742_743delinsAT, p.Glu248Met (NM_001281474.2); short protein forms E248M, E323M, E363M, E391M.
Identifiers: ClinVar variation 1253962 (VCV001253962.5), dbSNP rs2106375943, ClinGen allele CA2499215802.
Genomic context (GRCh38, chr2:237,540,414, plus strand): 5'-GGTGCTGGAGTGCGCACGGAGGCCGATGTAGAGGAGGAGGCCCTGAGGAGGAAGCTGGAG[GA>AT]GCTGACCAGCAACGTCAGTGACCAGGAGACCTCGTCCGAGGAGGAGGAAGCCAAGGACGA-3'
Protein context (NP_077006.1, residues 381-401): EEEALRRKLE[Glu391Met]LTSNVSDQET